The following is an entry in ClinVar:

ClinVar aggregate classification (germline): Uncertain significance. Review status: criteria provided, multiple submitters, no conflicts (2 of 4 stars). 3 submissions from 3 submitters: Uncertain significance (3). Last evaluated 2025-04-24.

Conditions:
Cardiovascular phenotype. Identifiers: MedGen CN230736.
Dilated cardiomyopathy 1W (CMD1W). Identifiers: Orphanet 154, MedGen C1969639, MONDO:0012667, OMIM 611407.

Allele frequency attached by ClinVar (database versions not stated): gnomAD 0.00001; gnomAD exomes 0.00001; TOPMed 0.00001.
gnomAD v4.1: 12 of 1,613,968 alleles (0.00074%); highest among the groups gnomAD compares: Admixed American, 0.0067%; no homozygotes.

Submissions (3):

Labcorp Genetics (formerly Invitae), Labcorp
Classification: Uncertain significance for Dilated cardiomyopathy 1W. Last evaluated: 2025-04-24. Review status: criteria provided, single submitter. Criteria: Invitae Variant Classification Sherloc (09022015). Collection method: clinical testing. Allele origin: germline.
Comment: This sequence change replaces arginine, which is basic and polar, with glutamine, which is neutral and polar, at codon 479 of the VCL protein (p.Arg479Gln). This variant is present in population databases (no rsID available, gnomAD 0.006%). This variant has not been reported in the literature in individuals affected with VCL-related conditions. ClinVar contains an entry for this variant (Variation ID: 1045759). An algorithm developed to predict the effect of missense changes on protein structure and function (PolyPhen-2) suggests that this variant is likely to be tolerated. In summary, the available evidence is currently insufficient to determine the role of this variant in disease. Therefore, it has been classified as a Variant of Uncertain Significance.

Ambry Genetics
Classification: Uncertain significance for Cardiovascular phenotype. Last evaluated: 2023-10-27. Review status: criteria provided, single submitter. Criteria: Ambry Variant Classification Scheme 2023. Collection method: clinical testing. Allele origin: germline.
Comment: The p.R479Q variant (also known as c.1436G>A), located in coding exon 11 of the VCL gene, results from a G to A substitution at nucleotide position 1436. The arginine at codon 479 is replaced by glutamine, an amino acid with highly similar properties. This amino acid position is conserved. In addition, this alteration is predicted to be tolerated by in silico analysis. Since supporting evidence is limited at this time, the clinical significance of this alteration remains unclear.

GeneDx
Classification: Uncertain significance. Last evaluated: 2019-04-19. Review status: criteria provided, single submitter. Criteria: GeneDx Variant Classification Process June 2021. Collection method: clinical testing. Allele origin: germline. Affected: yes.
Comment: Not observed at a significant frequency in large population cohorts (Lek et al., 2016); In silico analysis, which includes protein predictors and evolutionary conservation, supports that this variant does not alter protein structure/function; Has not been previously published as pathogenic or benign to our knowledge

NM_014000.3(VCL):c.1436G>A (p.Arg479Gln)

Gene: VCL (vinculin; plus strand). Cytogenetic location: 10q22.2.
Variant type: single nucleotide variant.
Coding change: c.1436G>A on transcript NM_014000.3 (MANE Select); coding-DNA position 1436, G replaced by A.
Protein change: p.Arg479Gln; replaces arginine 479 with glutamine.
Molecular consequence: missense variant.
Genome position (GRCh38, 1-based): chr10:74,094,354, G>A. VCF-style: chr10-74094354-G-A. GRCh37 (hg19) VCF-style: chr10-75854112-G-A.
Other names: c.1436G>A, p.Arg479Gln (NM_003373.4); short protein forms R479Q.
Identifiers: ClinVar variation 1045759 (VCV001045759.10), dbSNP rs1271589037, ClinGen allele CA377273806.